The following is an entry in ClinVar:

ClinVar aggregate classification (germline): Benign/Likely benign. Review status: criteria provided, multiple submitters, no conflicts (2 of 4 stars). 2 submissions from 2 submitters: Benign (1); Likely benign (1). Last evaluated 2026-07-01.

Conditions:
Epilepsy, childhood absence, susceptibility to, 1. Also called: Epilepsy, childhood absence 1. Identifiers: Orphanet 64280, MedGen C1838604, MONDO:0020759, OMIM 600131.
Epilepsy, childhood absence, susceptibility to, 5. Identifiers: Orphanet 64280, MedGen C2677087, MONDO:0012843, OMIM 612269.

Submissions (2):

CeGaT Center for Human Genetics Tuebingen
Classification: Likely benign. Last evaluated: 2026-07-01. Review status: criteria provided, single submitter. Criteria: CeGaT Center For Human Genetics Tuebingen Variant Classification Criteria Version 2. Collection method: clinical testing. Allele origin: germline. Affected: yes. Observed: 1 variant allele.
Comment: GABRB3: BP4

Labcorp Genetics (formerly Invitae), Labcorp
Classification: Benign for Epilepsy, childhood absence, susceptibility to, 5; Epilepsy, childhood absence, susceptibility to, 1. Last evaluated: 2025-12-21. Review status: criteria provided, single submitter. Criteria: Invitae Variant Classification Sherloc (09022015). Collection method: clinical testing. Allele origin: germline.

NM_000814.6(GABRB3):c.241-3del

Gene: GABRB3 (gamma-aminobutyric acid type A receptor subunit beta3; minus strand). Cytogenetic location: 15q12.
Variant type: Deletion.
Coding change: c.241-3del on transcript NM_000814.6 (MANE Select); 3 bases into the intron before coding-DNA position 241, one base deleted (C; older notation c.241-3delC).
Molecular consequence: intron variant.
Genome position (GRCh38, 1-based): chr15:26,621,537, G deleted on the plus strand (C on the coding strand, the reverse complement: GABRB3 is on the minus strand); the first of 6 consecutive G bases (chr15:26,621,537-26,621,542); deleting any one gives the same sequence. VCF-style (leftmost placement, unchanged base first): chr15-26621536-TG-T. GRCh37 (hg19) VCF-style: chr15-26866683-TG-T.
Other names: c.241-3del (NM_021912.5); c.-15-3del (NM_001278631.2, NM_001191320.2); c.28-3del (NM_001191321.3).
Identifiers: ClinVar variation 1582683 (VCV001582683.9), dbSNP rs760251280, ClinGen allele CA7437472.